The following is an entry in ClinVar:

NM_203447.4(DOCK8):c.5766G>A (p.Met1922Ile)

Gene: DOCK8 (dedicator of cytokinesis 8; plus strand). Cytogenetic location: 9p24.3.
Variant type: single nucleotide variant.
Coding change: c.5766G>A on transcript NM_203447.4 (MANE Select); coding-DNA position 5766, G replaced by A.
Protein change: p.Met1922Ile; replaces methionine 1922 with isoleucine.
Molecular consequence: missense variant.
Genome position (GRCh38, 1-based): chr9:446,555, G>A. VCF-style: chr9-446555-G-A. GRCh37 (hg19) VCF-style: chr9-446555-G-A.
Other names: c.5466G>A, p.Met1822Ile (NM_001190458.2); c.5562G>A, p.Met1854Ile (NM_001193536.2); short protein forms M1854I, M1822I, M1922I.
Identifiers: ClinVar variation 852820 (VCV000852820.10), dbSNP rs2057267200, ClinGen allele CA372769161.

ClinVar aggregate classification (germline): Uncertain significance (1 of 4 stars; one submission).

Conditions:
Combined immunodeficiency due to DOCK8 deficiency (HIES2). Also called: HYPER-IgE RECURRENT INFECTION SYNDROME 2, AUTOSOMAL RECESSIVE; HYPER-IgE SYNDROME 2, AUTOSOMAL RECESSIVE, WITH RECURRENT INFECTIONS; HIES autosomal recessive; DOCK8 Deficiency; Hyper-IgE recurrent infection syndrome, autosomal recessive. Identifiers: Orphanet 217390, MedGen C4722305, MONDO:0009478, OMIM 243700.

Allele frequency attached by ClinVar (database versions not stated): gnomAD exomes below 0.00001.

Submission:

Labcorp Genetics (formerly Invitae), Labcorp
Classification: Uncertain significance for Combined immunodeficiency due to DOCK8 deficiency. Last evaluated: 2019-03-13. Review status: criteria provided, single submitter. Criteria: Invitae Variant Classification Sherloc (09022015). Collection method: clinical testing. Allele origin: germline.
Comment: In summary, the available evidence is currently insufficient to determine the role of this variant in disease. Therefore, it has been classified as a Variant of Uncertain Significance. Algorithms developed to predict the effect of missense changes on protein structure and function (SIFT, PolyPhen-2, Align-GVGD) all suggest that this variant is likely to be tolerated, but these predictions have not been confirmed by published functional studies and their clinical significance is uncertain. This variant has not been reported in the literature in individuals with DOCK8-related conditions. This variant is not present in population databases (ExAC no frequency). This sequence change replaces methionine with isoleucine at codon 1922 of the DOCK8 protein (p.Met1922Ile). The methionine residue is moderately conserved and there is a small physicochemical difference between methionine and isoleucine.